The following is an entry in ClinVar:

ClinVar aggregate classification (germline): Uncertain significance (1 of 4 stars; one submission).

Submission:

Women's Health and Genetics/Laboratory Corporation of America, LabCorp
Classification: Uncertain significance. Last evaluated: 2024-07-01. Review status: criteria provided, single submitter. Criteria: LabCorp Variant Classification Summary - May 2015. Collection method: clinical testing. Allele origin: germline.
Comment: Variant summary: MYRF c.2842C>T (p.His948Tyr) results in a conservative amino acid change in the encoded protein sequence. Five of five in-silico tools predict a benign effect of the variant on protein function. The variant was absent in 251274 control chromosomes. The available data on variant occurrences in the general population are insufficient to allow any conclusion about variant significance. To our knowledge, no occurrence of c.2842C>T in individuals affected with Cardiac-Urogenital Syndrome and no experimental evidence demonstrating its impact on protein function have been reported. No submitters have cited clinical-significance assessments for this variant to ClinVar. Based on the evidence outlined above, the variant was classified as uncertain significance.

NM_001127392.3(MYRF):c.2842C>T (p.His948Tyr)

Gene: MYRF (myelin regulatory factor; plus strand). Cytogenetic location: 11q12.2.
Variant type: single nucleotide variant.
Coding change: c.2842C>T on transcript NM_001127392.3 (MANE Select); coding-DNA position 2842, C replaced by T.
Protein change: p.His948Tyr; replaces histidine 948 with tyrosine.
Molecular consequence: missense variant.
Genome position (GRCh38, 1-based): chr11:61,781,650, C>T. VCF-style: chr11-61781650-C-T. GRCh37 (hg19) VCF-style: chr11-61549122-C-T.
Other names: c.2737C>T, p.His913Tyr (NM_013279.4); short protein forms H913Y, H948Y.
Identifiers: ClinVar variation 3339227 (VCV003339227.1).